The following is an entry in ClinVar:

ClinVar aggregate classification (germline): Benign/Likely benign. Review status: criteria provided, multiple submitters, no conflicts (2 of 4 stars). 4 submissions from 3 submitters: Benign (2); Likely benign (2). Last evaluated 2026-02-01.

Conditions:
Autosomal recessive osteopetrosis 7. Identifiers: Orphanet 178389, MedGen C2676766, MONDO:0012859, OMIM 612301.
Paget disease of bone 2, early-onset (PDB2). Also called: Paget disease of bone 2. Identifiers: MedGen C4085251, MONDO:0011183, OMIM 602080.

Allele frequency attached by ClinVar (database versions not stated): gnomAD exomes 0.00255; ExAC 0.00299; gnomAD 0.01012 and 0.01070; ESP Exome Variant Server 0.01101; TOPMed 0.01178; 1000 Genomes Project 0.01218; 1000 Genomes Project 30x 0.01296.
gnomAD v4.1: 3,016 of 1,610,450 alleles (0.19%); highest among the groups gnomAD compares: African/African-American, 3.6%; 44 homozygotes.

Submissions (4):

Labcorp Genetics (formerly Invitae), Labcorp
Classification: Benign. Last evaluated: 2026-02-01. Review status: criteria provided, single submitter. Criteria: Invitae Variant Classification Sherloc (09022015). Collection method: clinical testing. Allele origin: germline.

Illumina Laboratory Services, Illumina
Classification: Likely benign for Paget disease of bone 2, early-onset. Last evaluated: 2018-01-13. Review status: criteria provided, single submitter. Criteria: ICSL Variant Classification Criteria 13 December 2019. Collection method: clinical testing. Allele origin: germline.
Comment: This variant was observed in the ICSL laboratory as part of a predisposition screen in an ostensibly healthy population. It had not been previously curated by ICSL or reported in the Human Gene Mutation Database (HGMD: prior to June 1st, 2018), and was therefore a candidate for classification through an automated scoring system. Utilizing variant allele frequency, disease prevalence and penetrance estimates, and inheritance mode, an automated score was calculated to assess if this variant is too frequent to cause the disease. Based on the score and internal cut-off values, a variant classified as likely benign is not then subjected to further curation. The score for this variant resulted in a classification of likely benign for this disease.

Illumina Laboratory Services, Illumina
Classification: Benign for Autosomal recessive osteopetrosis 7. Last evaluated: 2018-01-13. Review status: criteria provided, single submitter. Criteria: ICSL Variant Classification Criteria 13 December 2019. Collection method: clinical testing. Allele origin: germline.
Comment: This variant was observed in the ICSL laboratory as part of a predisposition screen in an ostensibly healthy population. It had not been previously curated by ICSL or reported in the Human Gene Mutation Database (HGMD: prior to June 1st, 2018), and was therefore a candidate for classification through an automated scoring system. Utilizing variant allele frequency, disease prevalence and penetrance estimates, and inheritance mode, an automated score was calculated to assess if this variant is too frequent to cause the disease. Based on the score and internal cut-off values, a variant classified as benign is not then subjected to further curation. The score for this variant resulted in a classification of benign for this disease.

Breakthrough Genomics
Classification: Likely benign. Review status: criteria provided, single submitter. Criteria: ACMG Guidelines, 2015. Collection method: not provided. Allele origin: germline. Inheritance: Autosomal recessive inheritance. Affected: yes.

NM_003839.4(TNFRSF11A):c.1397G>A (p.Arg466His)

Gene: TNFRSF11A (TNF receptor superfamily member 11a; plus strand). Cytogenetic location: 18q21.33.
Variant type: single nucleotide variant.
Coding change: c.1397G>A on transcript NM_003839.4 (MANE Select); coding-DNA position 1397, G replaced by A.
Protein change: p.Arg466His; replaces arginine 466 with histidine.
Molecular consequence: missense variant. On other transcripts: intron variant (3).
Genome position (GRCh38, 1-based): chr18:62,369,314, G>A. VCF-style: chr18-62369314-G-A. GRCh37 (hg19) VCF-style: chr18-60036547-G-A.
Other names: c.1355G>A, p.Arg452His (NM_001278268.2); c.783+2554G>A (NM_001270949.2); c.730+7521G>A (NM_001270950.2); c.616+9265G>A (NM_001270951.2); short protein forms R466H, R452H.
Identifiers: ClinVar variation 327736 (VCV000327736.16), dbSNP rs35993683, ClinGen allele CA8983960.